The following is an entry in ClinVar:

ClinVar aggregate classification (germline): Likely pathogenic (1 of 4 stars; one submission).

Conditions:
Intellectual developmental disorder with autism and speech delay. Also called: Autism 5; AUTISM-RELATED SPEECH DELAY; PHRASE SPEECH DELAY, AUTISM-RELATED; AUTS5; Autism, susceptibility to, 5. Identifiers: MedGen C1853755, MONDO:0011627, OMIM 606053.

Submission:

Juno Genomics, Hangzhou Juno Genomics, Inc
Classification: Likely pathogenic for Intellectual developmental disorder with autism and speech delay. Review status: criteria provided, single submitter. Criteria: ACMG Guidelines, 2015. Collection method: clinical testing. Allele origin: germline. Affected: yes.
Comment: Absent from controls (or at extremely low frequency if recessive) in Genome Aggregation Database, Exome Sequencing Project, 1000 Genomes Project, or Exome Aggregation Consortium.;Multiple lines of computational evidence support a deleterious effect on the gene or gene product (conservation, evolutionary, splicing impact, etc).;Missense variant in a gene that has a low rate of benign missense variation and where missense variants are a common mechanism of disease.

NM_006593.4(TBR1):c.1013A>C (p.His338Pro)

Gene: TBR1 (T-box brain transcription factor 1; plus strand). Cytogenetic location: 2q24.2.
Variant type: single nucleotide variant.
Coding change: c.1013A>C on transcript NM_006593.4 (MANE Select); coding-DNA position 1013, A replaced by C.
Protein change: p.His338Pro; replaces histidine 338 with proline.
Molecular consequence: missense variant.
Genome position (GRCh38, 1-based): chr2:161,418,935, A>C. VCF-style: chr2-161418935-A-C. GRCh37 (hg19) VCF-style: chr2-162275446-A-C.
Other names: short protein forms H338P.
Identifiers: ClinVar variation 3381934 (VCV003381934.2).